The following is an entry in ClinVar:

ClinVar aggregate classification (germline): Pathogenic. Review status: criteria provided, multiple submitters, no conflicts (2 of 4 stars). 4 submissions from 3 submitters: Pathogenic (2). 2 of the submissions do not count toward it. Last evaluated 2024-03-17.

Conditions:
GNPAT-related disorders.
Rhizomelic chondrodysplasia punctata type 2 (RCDP2). Also called: PEROXISOMAL DIHYDROXYACETONEPHOSPHATE ACYLTRANSFERASE DEFICIENCY; Chondrodysplasia punctata, rhizomelic, due to dihydroxyacetonephosphate acyltransferase deficiency; glyceronephosphate O-acyltransferase (GNPAT) deficiency; DHAPAT DEFICIENCY; Glyceronephosphate O-acyltransferase deficiency; DIHYDROXYACETONEPHOSPHATE ACYLTRANSFERASE DEFICIENCY. Identifiers: Orphanet 177, Orphanet 309796, MedGen C1857242, MONDO:0100273, OMIM 222765. Disease mechanism: loss of function.

gnomAD v4.1: 1 of 1,608,392 alleles (0.000062%); highest among the groups gnomAD compares: Middle Eastern, 0.017%; no homozygotes.

Submissions (4):

Genomic Medicine Center of Excellence, King Faisal Specialist Hospital and Research Centre
Classification: Pathogenic for Rhizomelic chondrodysplasia punctata type 2. Last evaluated: 2024-03-17. Review status: criteria provided, single submitter. Criteria: ACMG Guidelines, 2015. Collection method: research. Allele origin: germline.

Blueprint Genetics
Classification: Pathogenic for GNPAT-related disorders. Last evaluated: 2017-09-15. Review status: criteria provided, single submitter. Criteria: ACMG Guidelines, 2015. Collection method: clinical testing. Allele origin: germline. Affected: yes. Observed: 1 variant allele.

Clinical Laboratory Sciences Program (CLSP), King Saud bin Abdulaziz University for Health Sciences (KSAU-HS)
Classification: Uncertain significance for Rhizomelic chondrodysplasia punctata type 2. Last evaluated: 2023-04-01. Review status: no assertion criteria provided. Collection method: clinical testing. Allele origin: germline. Affected: yes. Not counted in ClinVar's aggregate classification.

Genomic Medicine Center of Excellence, King Faisal Specialist Hospital and Research Centre
Classification: Pathogenic for Rhizomelic chondrodysplasia punctata type 2. Last evaluated: 2021-04-29. Review status: flagged submission. Collection method: research. Allele origin: germline. Affected: yes. Not counted in ClinVar's aggregate classification.
ClinVar note: Reason: This record appears to be redundant with a more recent record from the same submitter.
ClinVar note: Notes: SCV001870475 appears to be redundant with SCV004804848.

NM_014236.4(GNPAT):c.569-3T>G

Gene: GNPAT (glyceronephosphate O-acyltransferase; plus strand). Cytogenetic location: 1q42.2.
Variant type: single nucleotide variant.
Coding change: c.569-3T>G on transcript NM_014236.4 (MANE Select); 3 bases into the intron before coding-DNA position 569, T replaced by G.
Molecular consequence: intron variant.
Genome position (GRCh38, 1-based): chr1:231,265,290, T>G. VCF-style: chr1-231265290-T-G. GRCh37 (hg19) VCF-style: chr1-231401036-T-G.
Other names: c.569-3T>G (NM_014236.3); c.386-3T>G (NM_001316350.2).
Identifiers: ClinVar variation 1252036 (VCV001252036.20), dbSNP rs745869264, ClinGen allele CA2573051514.